The following is an entry in ClinVar:

ClinVar aggregate classification (germline): Pathogenic (1 of 4 stars; one submission).

Conditions:
Autoimmune lymphoproliferative syndrome, type III caused by mutation in PRKCD. Identifiers: Orphanet 3261, Orphanet 664711, MedGen C3809928, MONDO:8000024, OMIM 615559.

Submission:

Labcorp Genetics (formerly Invitae), Labcorp
Classification: Pathogenic for Autoimmune lymphoproliferative syndrome, type III caused by mutation in PRKCD. Last evaluated: 2025-02-13. Review status: criteria provided, single submitter. Criteria: Invitae Variant Classification Sherloc (09022015). Collection method: clinical testing. Allele origin: germline.
Comment: This sequence change creates a premature translational stop signal (p.Gln440*) in the PRKCD gene. It is expected to result in an absent or disrupted protein product. Loss-of-function variants in PRKCD are known to be pathogenic (PMID: 11976687, 23319571, 23430113). This variant is not present in population databases (gnomAD no frequency). This variant has not been reported in the literature in individuals affected with PRKCD-related conditions. For these reasons, this variant has been classified as Pathogenic.

Literature cited by the submitters: PubMed 11976687; PubMed 23319571; PubMed 23430113.

NM_006254.4(PRKCD):c.1318C>T (p.Gln440Ter)

Gene: PRKCD (protein kinase C delta; plus strand). Cytogenetic location: 3p21.1.
Variant type: single nucleotide variant.
Coding change: c.1318C>T on transcript NM_006254.4 (MANE Select); coding-DNA position 1318, C replaced by T.
Protein change: p.Gln440Ter; replaces glutamine 440 with a stop codon.
Molecular consequence: nonsense.
Genome position (GRCh38, 1-based): chr3:53,186,661, C>T. VCF-style: chr3-53186661-C-T. GRCh37 (hg19) VCF-style: chr3-53220677-C-T.
Other names: c.1318C>T, p.Gln440Ter (NM_001316327.2, NM_001354679.2, NM_001354680.2 and 1 more transcripts); c.1375C>T, p.Gln459Ter (NM_001354676.2); c.1366C>T, p.Gln456Ter (NM_001354678.2); short protein forms Q456*, Q440*, Q459*.
Identifiers: ClinVar variation 4713023 (VCV004713023.1).